The following is an entry in ClinVar:

NM_003803.3(MYOM1):c.[64_66delGTGinsCTC;65T>G]

Variant type: Haplotype.
Identifiers: ClinVar variation 229030 (VCV000229030.5).

ClinVar aggregate classification (germline): Uncertain significance (1 of 4 stars; one submission).

Submission:

Laboratory for Molecular Medicine, Mass General Brigham Personalized Medicine
Classification: Uncertain significance. Last evaluated: 2015-07-08. Review status: criteria provided, single submitter. Criteria: LMM Criteria. Collection method: clinical testing. Allele origin: germline. Observed: 1 variant allele.
Comment: The p.Val22Arg variant in MYOM1 has not been previously reported in individuals with cardiomyopathy. This variant is caused by two independent events (on the sa me allele), resulting in an overall amino acid change at position 22 from valine to arginine. The p.Val22Arg variant has been identified in 14/114132 pan ethnic chromosomes by the Exome Aggregation Consortium (ExAC,, pers. comm.). Computational prediction tools and conservation analysis s uggest that the p.Val22Arg variant may not impact the protein, though this infor mation is not predictive enough to rule out pathogenicity. In summary, the clini cal significance of the p.Val22Arg variant is uncertain.